The following is an entry in ClinVar:

NM_017636.4(TRPM4):c.2866G>T (p.Asp956Tyr)

Gene: TRPM4 (transient receptor potential cation channel subfamily M member 4; plus strand). Cytogenetic location: 19q13.33.
Variant type: single nucleotide variant.
Coding change: c.2866G>T on transcript NM_017636.4 (MANE Select); coding-DNA position 2866, G replaced by T.
Protein change: p.Asp956Tyr; replaces aspartic acid 956 with tyrosine.
Molecular consequence: missense variant.
Genome position (GRCh38, 1-based): chr19:49,200,698, G>T. VCF-style: chr19-49200698-G-T. GRCh37 (hg19) VCF-style: chr19-49703955-G-T.
Other names: c.2431G>T, p.Asp811Tyr (NM_001195227.2); c.2521G>T, p.Asp841Tyr (NM_001321281.2); c.1258G>T, p.Asp420Tyr (NM_001321282.2); c.2344G>T, p.Asp782Tyr (NM_001321283.2); c.1804G>T, p.Asp602Tyr (NM_001321285.2); short protein forms D956Y, D420Y, D811Y, D782Y, D841Y, D602Y.
Identifiers: ClinVar variation 4615269 (VCV004615269.1).

ClinVar aggregate classification (germline): Uncertain significance (1 of 4 stars; one submission).

Conditions:
Cardiovascular phenotype. Identifiers: MedGen CN230736.

gnomAD v4.1: 1 of 1,614,094 alleles (0.000062%); highest among the groups gnomAD compares: Non-Finnish European, 0.000085%; no homozygotes.

Submission:

Ambry Genetics
Classification: Uncertain significance for Cardiovascular phenotype. Last evaluated: 2025-10-25. Review status: criteria provided, single submitter. Criteria: Ambry Variant Classification Scheme 2023. Collection method: clinical testing. Allele origin: germline.
Comment: The p.D956Y variant (also known as c.2866G>T), located in coding exon 19 of the TRPM4 gene, results from a G to T substitution at nucleotide position 2866. The aspartic acid at codon 956 is replaced by tyrosine, an amino acid with highly dissimilar properties. This amino acid position is conserved. In addition, the in silico prediction for this alteration is inconclusive. Based on the available evidence, the clinical significance of this variant remains unclear.